The following is an entry in ClinVar:

ClinVar aggregate classification (germline): Pathogenic. Review status: criteria provided, multiple submitters, no conflicts (2 of 4 stars). 4 submissions from 4 submitters: Pathogenic (3). 1 of the submissions does not count toward it. Last evaluated 2024-07-25.

Conditions:
Variegate porphyria (VP). Also called: PORPHYRIA, SOUTH AFRICAN TYPE; PROTOPORPHYRINOGEN OXIDASE DEFICIENCY; PPOX DEFICIENCY. Identifiers: Orphanet 79473, MedGen C0162532, MONDO:0008297, OMIM 176200.

Submissions (4):

Mayo Clinic Laboratories, Mayo Clinic
Classification: Pathogenic. Last evaluated: 2024-07-25. Review status: criteria provided, single submitter. Criteria: ACMG Guidelines, 2015. Collection method: clinical testing. Allele origin: germline. Observed: 1 variant allele.
Comment: PP4, PM2, PVS1

CeGaT Center for Human Genetics Tuebingen
Classification: Pathogenic. Last evaluated: 2022-03-01. Review status: criteria provided, single submitter. Criteria: CeGaT Center For Human Genetics Tuebingen Variant Classification Criteria Version 2. Collection method: clinical testing. Allele origin: germline. Affected: yes. Observed: 2 variant alleles.

Labcorp Genetics (formerly Invitae), Labcorp
Classification: Pathogenic. Last evaluated: 2018-09-12. Review status: criteria provided, single submitter. Criteria: Invitae Variant Classification Sherloc (09022015). Collection method: clinical testing. Allele origin: germline.
Comment: For these reasons, this variant has been classified as Pathogenic. Loss-of-function variants in PPOX are known to be pathogenic (PMID: 10486317). Algorithms developed to predict the effect of sequence changes on RNA splicing suggest that this variant may create or strengthen a splice site, but this prediction has not been confirmed by published transcriptional studies. This variant has been observed in an individual affected with variegate porphyria (PMID: 8852667). This variant is also known in the literature as 1022insG. This variant is not present in population databases (ExAC no frequency). This sequence change creates a premature translational stop signal (p.Val249Glyfs*32) in the PPOX gene. It is expected to result in an absent or disrupted protein product.

OMIM
Classification: Pathogenic for VARIEGATE PORPHYRIA. Last evaluated: 1996-03-01. Review status: no assertion criteria provided. Collection method: literature only. Allele origin: germline. Not counted in ClinVar's aggregate classification.

Literature cited by the submitters: PubMed 8852667 (cited by 3 submitters); PubMed 10486317 (cited by Labcorp Genetics (formerly Invitae), Labcorp).

NM_001122764.3(PPOX):c.745dup (p.Val249fs)

Gene: PPOX (protoporphyrinogen oxidase; plus strand). Cytogenetic location: 1q23.3.
Variant type: Duplication.
Coding change: c.745dup on transcript NM_001122764.3 (MANE Select); coding-DNA position 745, one base duplicated (G; older notation c.745dupG).
Protein change: p.Val249fs; shifts the reading frame from valine 249.
Molecular consequence: frameshift variant.
Genome position (GRCh38, 1-based): chr1:161,169,121, G duplicated; the last of 6 consecutive G bases (chr1:161,169,116-161,169,121); duplicating any one gives the same sequence. VCF-style (leftmost placement, unchanged base first): chr1-161169115-A-AG. GRCh37 (hg19) VCF-style: chr1-161138905-A-AG.
Other names: p.Val249Glyfs*32; c.745dup, p.Val249fs (NM_000309.5, NM_001365398.1, NM_001365399.1); c.646dup, p.Val216fs (NM_001350128.2); c.337dup, p.Val113fs (NM_001350129.2, NM_001365400.1); c.259dup, p.Val87fs (NM_001350130.2, NM_001350131.2, NM_001365401.1); short protein forms V216fs, V113fs, V249fs, V87fs.
Identifiers: ClinVar variation 664759 (VCV000664759.44), dbSNP rs1571369150, ClinGen allele CA915943611.
Genomic context (GRCh38, chr1:161,169,115, plus strand): 5'-TGGTCACTTCGTGGAGGTCTAGAGATGTTGCCTCAGGCCCTTGAAACCCACCTGACTAGT[A>AG]GGGGGGTCAGTGTTCTCAGAGGCCAGCCGGTCTGTGGGCTCAGCCTCCAGGCAGAAGGGC-3'